The following is an entry in ClinVar:

ClinVar aggregate classification (germline): Uncertain significance (1 of 4 stars; one submission).

Allele frequency attached by ClinVar (database versions not stated): gnomAD 0.00001; gnomAD exomes 0.00002; TOPMed 0.00002.
gnomAD v4.1: 25 of 1,614,046 alleles (0.0015%); highest among the groups gnomAD compares: Non-Finnish European, 0.002%; no homozygotes.

Submission:

Labcorp Genetics (formerly Invitae), Labcorp
Classification: Uncertain significance. Last evaluated: 2023-05-31. Review status: criteria provided, single submitter. Criteria: Invitae Variant Classification Sherloc (09022015). Collection method: clinical testing. Allele origin: germline.
Comment: This sequence change replaces glutamic acid, which is acidic and polar, with lysine, which is basic and polar, at codon 353 of the PRKN protein (p.Glu353Lys). This variant is present in population databases (no rsID available, gnomAD 0.0009%). This variant has not been reported in the literature in individuals affected with PRKN-related conditions. Advanced modeling of protein sequence and biophysical properties (such as structural, functional, and spatial information, amino acid conservation, physicochemical variation, residue mobility, and thermodynamic stability) has been performed at Invitae for this missense variant, however the output from this modeling did not meet the statistical confidence thresholds required to predict the impact of this variant on PRKN protein function. In summary, the available evidence is currently insufficient to determine the role of this variant in disease. Therefore, it has been classified as a Variant of Uncertain Significance.

NM_004562.3(PRKN):c.1057G>A (p.Glu353Lys)

Gene: PRKN (parkin RBR E3 ubiquitin protein ligase; minus strand). Cytogenetic location: 6q26.
Variant type: single nucleotide variant.
Coding change: c.1057G>A on transcript NM_004562.3 (MANE Select); coding-DNA position 1057, G replaced by A.
Protein change: p.Glu353Lys; replaces glutamic acid 353 with lysine.
Molecular consequence: missense variant.
Genome position (GRCh38, 1-based): chr6:161,548,880, C>T on the plus strand (G>A on the coding strand, the complement: PRKN is on the minus strand). VCF-style: chr6-161548880-C-T. GRCh37 (hg19) VCF-style: chr6-161969912-C-T.
Other names: c.973G>A, p.Glu325Lys (NM_013987.3); c.610G>A, p.Glu204Lys (NM_013988.3); short protein forms E325K, E204K, E353K.
Identifiers: ClinVar variation 2715674 (VCV002715674.3), dbSNP rs1460011098, ClinGen allele CA366460343.